The following is an entry in ClinVar:

NM_000038.6(APC):c.3784del (p.Tyr1262fs)

Gene: APC (APC regulator of Wnt signaling pathway; plus strand). Cytogenetic location: 5q22.2.
Variant type: Deletion.
Coding change: c.3784del on transcript NM_000038.6 (MANE Select); coding-DNA position 3784, one base deleted (T; older notation c.3784delT).
Protein change: p.Tyr1262fs; shifts the reading frame from tyrosine 1262.
Molecular consequence: frameshift variant.
Genome position (GRCh38, 1-based): chr5:112,839,378, T deleted; the last of 2 consecutive T bases (chr5:112,839,377-112,839,378); deleting either gives the same sequence. VCF-style (leftmost placement, unchanged base first): chr5-112839376-CT-C. GRCh37 (hg19) VCF-style: chr5-112175073-CT-C.
Other names: c.3784del, p.Tyr1262fs (NM_001127510.3, NM_001354895.2); c.3730del, p.Tyr1244fs (NM_001127511.3); c.3838del, p.Tyr1280fs (NM_001354896.2); c.3814del, p.Tyr1272fs (NM_001354897.2); c.3709del, p.Tyr1237fs (NM_001354898.2); c.3700del, p.Tyr1234fs (NM_001354899.2); c.3661del, p.Tyr1221fs (NM_001354900.2); c.3607del, p.Tyr1203fs (NM_001354901.2); and 5 more; short protein forms Y1102fs, Y1136fs, Y1161fs, Y1171fs, Y1203fs, Y1221fs, Y1234fs, Y1237fs.
Identifiers: ClinVar variation 1342998 (VCV001342998.6), dbSNP rs2149898912, ClinGen allele CA2573052389.

ClinVar aggregate classification (germline): Pathogenic. Review status: criteria provided, multiple submitters, no conflicts (2 of 4 stars). 2 submissions from 2 submitters: Pathogenic (2). Last evaluated 2023-05-09.

Conditions:
Familial adenomatous polyposis 1 (FAP1). Also called: POLYPOSIS, ADENOMATOUS INTESTINAL; FAMILIAL ADENOMATOUS POLYPOSIS 1, ATTENUATED. Identifiers: MedGen C2713442, MONDO:0021056, OMIM 175100. Disease mechanism: loss of function.

Submissions (2):

Myriad Genetics, Inc.
Classification: Pathogenic for Familial adenomatous polyposis 1. Last evaluated: 2023-05-09. Review status: criteria provided, single submitter. Criteria: Myriad Autosomal Dominant, Autosomal Recessive and X-Linked Classification Criteria (2023). Collection method: clinical testing. Allele origin: unknown.
Comment: This variant is considered pathogenic. This variant creates a frameshift predicted to result in premature protein truncation.

University of Science and Technology Houari Boumediene, Laboratory of Molecular and Cellular Biology (LBCM)
Classification: Pathogenic for Familial adenomatous polyposis 1. Review status: criteria provided, single submitter. Criteria: ('ACMG. Collection method: clinical testing. Allele origin: germline. Inheritance: Autosomal dominant inheritance. Affected: yes. Observed: 3 heterozygotes.

Literature cited by the submitters: PubMed 35142982 (cited by University of Science and Technology Houari Boumediene, Laboratory of Molecular and Cellular Biology (LBCM)); DOI 10.1158/1538-7445.AM2019-655 (cited by University of Science and Technology Houari Boumediene, Laboratory of Molecular and Cellular Biology (LBCM)).